The following is an entry in ClinVar:

NM_001199107.2(TBC1D24):c.920A>G (p.Asn307Ser)

Gene: TBC1D24 (TBC1 domain family member 24; plus strand). Cytogenetic location: 16p13.3.
Variant type: single nucleotide variant.
Coding change: c.920A>G on transcript NM_001199107.2 (MANE Select); coding-DNA position 920, A replaced by G.
Protein change: p.Asn307Ser; replaces asparagine 307 with serine.
Molecular consequence: missense variant.
Genome position (GRCh38, 1-based): chr16:2,497,068, A>G. VCF-style: chr16-2497068-A-G. GRCh37 (hg19) VCF-style: chr16-2547069-A-G.
Other names: c.920A>G, p.Asn307Ser (NM_020705.3); short protein forms N307S.
Identifiers: ClinVar variation 583333 (VCV000583333.18), dbSNP rs761934676, ClinGen allele CA7844093.

ClinVar aggregate classification (germline): Conflicting classifications of pathogenicity. Review status: criteria provided, conflicting classifications (1 of 4 stars). 6 submissions from 6 submitters: Likely pathogenic (1); Uncertain significance (5). Last evaluated 2026-06-09.

Conditions:
Myoclonus. Also called: Involuntary jerking movements; Myoclonic jerks. Identifiers: MedGen C0027066, HP:0001336.
Tremor. Also called: tremors. Identifiers: MedGen C0040822, HP:0001337.
Seizure. Also called: Seizures. Identifiers: MedGen C0036572, HP:0001250.
Nystagmus. Identifiers: MedGen C0028738, MONDO:0004843, HP:0000639.
Dysarthria. Identifiers: MedGen C0013362, HP:0001260.
Developmental and epileptic encephalopathy, 1 (DEE1). Also called: X-linked infantile spasms; West's syndrome; Tonic spasms with clustering, arrest of psychomotor development and hypsarrhythmia on EEG; X-Linked Infantile Spasm Syndrome; OHTAHARA SYNDROME, X-LINKED; INFANTILE SPASM SYNDROME, X-LINKED 1. Identifiers: MedGen C3463992, MONDO:0010632, OMIM 308350. Disease mechanism: loss of function.
Autosomal dominant nonsyndromic hearing loss 65. Also called: Deafness, autosomal dominant 65; TBC1D24-Related Autosomal Dominant Nonsyndromic Hearing Loss (DFNA). Identifiers: Orphanet 90635, MedGen C3892048, MONDO:0014470, OMIM 616044.
TBC1D24-related disorder. Also called: TBC1D24-related disorders; TBC1D24-related condition. Identifiers: MedGen CN381194.

Allele frequency attached by ClinVar (database versions not stated): gnomAD exomes below 0.00001 and 0.00006; ExAC 0.00001; gnomAD 0.00001; TOPMed 0.00001.
gnomAD v4.1: 83 of 1,610,948 alleles (0.0052%); highest among the groups gnomAD compares: Non-Finnish European, 0.0066%; no homozygotes.

Submissions (7):

GeneDx
Classification: Uncertain significance. Last evaluated: 2026-06-09. Review status: criteria provided, single submitter. Criteria: GeneDx Variant Classification Process June 2021. Collection method: clinical testing. Allele origin: germline.
Comment: In silico analysis indicates that this missense variant does not alter protein structure/function; Not observed at significant frequency in large population cohorts (gnomAD); This variant is associated with the following publications: (PMID: 28492532, 33281559, 34108613, 35661827)

Blueprint Genetics
Classification: Uncertain significance. Last evaluated: 2024-02-02. Review status: criteria provided, single submitter. Criteria: ACMG Guidelines, 2015. Collection method: clinical testing. Allele origin: germline.

PreventionGenetics, part of Exact Sciences
Classification: Likely pathogenic for TBC1D24-related condition. Last evaluated: 2023-07-19. Review status: criteria provided, single submitter. Criteria: ACMG Guidelines, 2015. Collection method: clinical testing. Allele origin: germline.
Comment: The TBC1D24 c.920A>G variant is predicted to result in the amino acid substitution p.Asn307Ser. This variant was reported to be significantly enriched in individuals with age-related hearing loss in large GWAS studies. A more recent GWAS study showed the odds ratio was more than 4, suggesting a strong association (described as rs761934676, OR=6.59, p=5.9×10-13 in Ivarsdottir et al. 2021. PubMed ID: 34108613; OR=4.14, p=5.10E−09 in Praveen et al. 2022. PubMed ID: 35661827). This variant is reported in 0.00090% of alleles in individuals of European (Non-Finnish) descent in gnomAD. Two different missense substitutions affecting the same amino acid have been reported: p.Asn307His segregated in two large families with autosomal dominant non-syndromic hearing loss (Parzefall et al 2020. PubMed ID: 33281559) and p.Asn307Asp was compound heterozygous in two siblings with TBC1D24-related epilepsy (Appavu et al 2016. PubMed ID: 27502353). Taken together, we interpret this variant as likely pathogenic.

Labcorp Genetics (formerly Invitae), Labcorp
Classification: Uncertain significance for Developmental and epileptic encephalopathy, 1; Autosomal dominant nonsyndromic hearing loss 65. Last evaluated: 2023-06-30. Review status: criteria provided, single submitter. Criteria: Invitae Variant Classification Sherloc (09022015). Collection method: clinical testing. Allele origin: germline.
Comment: This sequence change replaces asparagine, which is neutral and polar, with serine, which is neutral and polar, at codon 307 of the TBC1D24 protein (p.Asn307Ser). In summary, the available evidence is currently insufficient to determine the role of this variant in disease. Therefore, it has been classified as a Variant of Uncertain Significance. Advanced modeling of protein sequence and biophysical properties (such as structural, functional, and spatial information, amino acid conservation, physicochemical variation, residue mobility, and thermodynamic stability) performed at Invitae indicates that this missense variant is expected to disrupt TBC1D24 protein function. ClinVar contains an entry for this variant (Variation ID: 583333). This variant has not been reported in the literature in individuals affected with TBC1D24-related conditions. This variant is present in population databases (rs761934676, gnomAD 0.0009%).

Laboratory for Molecular Medicine, Mass General Brigham Personalized Medicine
Classification: Uncertain significance. Last evaluated: 2020-03-11. Review status: criteria provided, single submitter. Criteria: LMM Criteria. Collection method: clinical testing. Allele origin: germline. Observed: 1 variant allele.
Comment: The p.Asn307Ser variant in TBC1D24 has not been previously reported in individuals with hearing loss but has been identified in 1/111448 European chromosomes by gnomAD. This variant has also been reported in ClinVar (Variation ID 583333). Computational prediction tools and conservation analysis suggest that this variant may impact the protein, though this information is not predictive enough to determine pathogenicity. In summary, the clinical significance of this variant is uncertain. ACMG/AMP Criteria applied: PM2, PP3.

Knight Diagnostic Laboratories, Oregon Health and Sciences University
Classification: Uncertain significance for Myoclonus; Tremor; Dysarthria; Nystagmus; Seizure. Last evaluated: 2019-10-09. Review status: criteria provided, single submitter. Criteria: ACMG Guidelines, 2015. Collection method: clinical testing. Allele origin: germline. Observed: 1 variant allele.

Dr. Peter K. Rogan Lab, Western University
No classification provided (evidence only). Condition: Nonpapillary renal cell carcinoma. Review status: no classification provided. Collection method: in vitro. Allele origin: not applicable. Functional consequence: retained intron. Not counted in ClinVar's aggregate classification.